The following is an entry in ClinVar:

ClinVar aggregate classification (germline): Uncertain significance (1 of 4 stars; one submission).

Conditions:
Intellectual developmental disorder, X-linked 99, syndromic, female-restricted. Also called: Intellectual disability, X-linked 99, syndromic, female-restricted. Identifiers: MedGen C4225416, MONDO:0010502, OMIM 300968.

Submission:

Regional Center For Medical Genetics Timis, Louis Turcanu Emergency Hospital for Children Timisoara
Classification: Uncertain significance for Intellectual developmental disorder, X-linked 99, syndromic, female-restricted. Last evaluated: 2024-07-05. Review status: criteria provided, single submitter. Criteria: ACMG Guidelines, 2015. Collection method: research. Allele origin: germline. Affected: yes. Observed: 1 hemizygote.
Comment: This variant is absent from healthy population databases (gnomAD v4.1.0 genomes and exomes). In silico predictions for this variant are uncertain. The amino acid residue is conserved among species. Therefore, the variant was classified as uncertain, according to ACMG 2015 guidelines. Of note, the sequencing coverage of this variant is low (11X) in our sample, so further orthogonal confirmation is required.

NM_001039591.3(USP9X):c.3061C>G (p.Leu1021Val)

Gene: USP9X (ubiquitin specific peptidase 9 X-linked; plus strand). Cytogenetic location: Xp11.4.
Variant type: single nucleotide variant.
Coding change: c.3061C>G on transcript NM_001039591.3 (MANE Select); coding-DNA position 3061, C replaced by G.
Protein change: p.Leu1021Val; replaces leucine 1021 with valine.
Molecular consequence: missense variant.
Genome position (GRCh38, 1-based): chrX:41,171,871, C>G. VCF-style: chrX-41171871-C-G. GRCh37 (hg19) VCF-style: chrX-41031124-C-G.
Other names: c.3061C>G, p.Leu1021Val (NM_001039590.3); c.3076C>G, p.Leu1026Val (NM_001410748.1, NM_001410749.1); short protein forms L1021V, L1026V.
Identifiers: ClinVar variation 3253739 (VCV003253739.2), dbSNP rs2519231894.